The following is an entry in ClinVar:

NM_014874.4(MFN2):c.701T>A (p.Met234Lys)

Gene: MFN2 (mitofusin 2; plus strand). Cytogenetic location: 1p36.22.
Variant type: single nucleotide variant.
Coding change: c.701T>A on transcript NM_014874.4 (MANE Select); coding-DNA position 701, T replaced by A.
Protein change: p.Met234Lys; replaces methionine 234 with lysine.
Molecular consequence: missense variant.
Genome position (GRCh38, 1-based): chr1:11,998,871, T>A. VCF-style: chr1-11998871-T-A. GRCh37 (hg19) VCF-style: chr1-12058928-T-A.
Other names: c.701T>A, p.Met234Lys (NM_001127660.2); short protein forms M234K.
Identifiers: ClinVar variation 978264 (VCV000978264.4), dbSNP rs1639047697, ClinGen allele CA338438589.

ClinVar aggregate classification (germline): Likely pathogenic (1 of 4 stars; one submission).

Conditions:
Charcot-Marie-Tooth disease type 2A2. Also called: HMSN IIA2; CHARCOT-MARIE-TOOTH DISEASE, AXONAL, AUTOSOMAL DOMINANT, TYPE 2A2A; CHARCOT-MARIE-TOOTH DISEASE, AXONAL, TYPE 2A2; CHARCOT-MARIE-TOOTH DISEASE, NEURONAL, TYPE 2A2; HEREDITARY MOTOR AND SENSORY NEUROPATHY IIA2; Charcot-Marie-Tooth Neuropathy Type 2A2. Identifiers: Orphanet 99947, MedGen C4721887, MONDO:0012231, OMIM 609260.

Submission:

Human Genetics Unit, University Of Colombo
Classification: Likely pathogenic for Charcot-Marie-Tooth disease type 2A2. Last evaluated: 2018-10-17. Review status: criteria provided, single submitter. Criteria: ACMG Guidelines, 2015. Collection method: clinical testing. Allele origin: germline. Inheritance: Autosomal dominant inheritance. Affected: yes.
Comment: This mutation is not found in global population frequency databases or in our internal exome database. This variant is located in an area of the MFN2 gene that is highly conserved in different species of animals during evolution and it causes a non-conservative substitution of amino acids. In silico analysis concluded this variant as disease-causing. According to ACMG criteria (2015), this variant can be classified as likely pathogenic.

Literature cited by the submitters: DOI 10.23937/2378-3648/1410039.